The following is an entry in ClinVar:

ClinVar aggregate classification (germline): Likely pathogenic (1 of 4 stars; one submission).

Conditions:
Methylmalonic aciduria and homocystinuria type cblF. Also called: METHYLMALONIC ACIDEMIA AND HOMOCYSTINURIA, cblF TYPE; METHYLMALONIC ACIDURIA DUE TO VITAMIN B12-RELEASE DEFECT; VITAMIN B12 LYSOSOMAL RELEASE DEFECT; VITAMIN B12 STORAGE DISEASE; COBALAMIN F DISEASE; COBALAMIN, DEFECT IN LYSOSOMAL RELEASE OF. Identifiers: Orphanet 79284, MedGen C1848578, MONDO:0010183, OMIM 277380.

Submission:

Labcorp Genetics (formerly Invitae), Labcorp
Classification: Likely pathogenic for Methylmalonic aciduria and homocystinuria type cblF. Last evaluated: 2023-07-07. Review status: criteria provided, single submitter. Criteria: Invitae Variant Classification Sherloc (09022015). Collection method: clinical testing. Allele origin: germline.
Comment: This variant has not been reported in the literature in individuals affected with LMBRD1-related conditions. This variant is not present in population databases (gnomAD no frequency). This sequence change affects a splice site in intron 3 of the LMBRD1 gene. It is expected to disrupt RNA splicing. Variants that disrupt the donor or acceptor splice site typically lead to a loss of protein function (PMID: 16199547), and loss-of-function variants in LMBRD1 are known to be pathogenic (PMID: 19136951, 21303734). Algorithms developed to predict the effect of sequence changes on RNA splicing suggest that this variant may disrupt the consensus splice site. In summary, the currently available evidence indicates that the variant is pathogenic, but additional data are needed to prove that conclusively. Therefore, this variant has been classified as Likely Pathogenic.

Literature cited by the submitters: PubMed 16199547; PubMed 19136951; PubMed 21303734.

NM_018368.4(LMBRD1):c.307+2del

Gene: LMBRD1 (LMBR1 domain containing 1; minus strand). Cytogenetic location: 6q13.
Variant type: Deletion.
Coding change: c.307+2del on transcript NM_018368.4 (MANE Select); the canonical splice donor site of the intron after coding-DNA position 307, one base deleted (T; older notation c.307+2delT).
Molecular consequence: splice donor variant.
Genome position (GRCh38, 1-based): chr6:69,780,492, A deleted on the plus strand (T on the coding strand, the reverse complement: LMBRD1 is on the minus strand). VCF-style (leftmost placement, unchanged base first): chr6-69780491-TA-T. GRCh37 (hg19) VCF-style: chr6-70490383-TA-T.
Other names: c.88+2del (NM_001367272.1, NM_001367271.1, NM_001363722.2).
Identifiers: ClinVar variation 2737040 (VCV002737040.3), dbSNP rs2481466290, ClinGen allele CA2697553536.